The following is an entry in ClinVar:

ClinVar aggregate classification (germline): Pathogenic (1 of 4 stars; one submission).

Conditions:
Congenital myasthenic syndrome 11. Also called: MYASTHENIC SYNDROME, CONGENITAL, Ie; Myasthenic syndrome, congenital, 11, associated with acetylcholine receptor deficiency. Identifiers: Orphanet 590, MedGen C4225367, MONDO:0014588, OMIM 616326.
Fetal akinesia deformation sequence 1 (FADS1). Also called: Pena-Shokeir syndrome type I; Fetal akinesia sequence. Identifiers: Orphanet 994, MedGen C1276035, MONDO:0100101, OMIM 208150, HP:0001989.

Submission:

Labcorp Genetics (formerly Invitae), Labcorp
Classification: Pathogenic for Congenital myasthenic syndrome 11; Fetal akinesia deformation sequence 1. Last evaluated: 2022-07-21. Review status: criteria provided, single submitter. Criteria: Invitae Variant Classification Sherloc (09022015). Collection method: clinical testing. Allele origin: germline.
Comment: This variant is a gross deletion of the genomic region encompassing exon(s) 1-2 of the RAPSN gene, which includes the initiator codon. This deletion extends beyond the assayed region for this gene and therefore may encompass additional genes. It is expected to result in an absent or disrupted protein product. Loss-of-function variants in RAPSN are known to be pathogenic (PMID: 17686188). This variant has not been reported in the literature in individuals affected with RAPSN-related conditions. For these reasons, this variant has been classified as Pathogenic.

Literature cited by the submitters: PubMed 17686188.

NC_000011.9:g.(?_47469354)_(47470726_?)del

Gene: RAPSN (receptor associated protein of the synapse; minus strand). Cytogenetic location: 11p11.2.
Variant type: Deletion.
Identifiers: ClinVar variation 2425290 (VCV002425290.5).